The following is an entry in ClinVar:

NM_002471.4(MYH6):c.4609G>A (p.Val1537Met)

Gene: MYH6 (myosin heavy chain 6; minus strand). Cytogenetic location: 14q11.2.
Variant type: single nucleotide variant.
Coding change: c.4609G>A on transcript NM_002471.4 (MANE Select); coding-DNA position 4609, G replaced by A.
Protein change: p.Val1537Met; replaces valine 1537 with methionine.
Molecular consequence: missense variant.
Genome position (GRCh38, 1-based): chr14:23,387,570, C>T on the plus strand (G>A on the coding strand, the complement: MYH6 is on the minus strand). VCF-style: chr14-23387570-C-T. GRCh37 (hg19) VCF-style: chr14-23856779-C-T.
Other names: short protein forms V1537M.
Identifiers: ClinVar variation 1741861 (VCV001741861.7), dbSNP rs1469503364, ClinGen allele CA388995974.

ClinVar aggregate classification (germline): Uncertain significance. Review status: criteria provided, multiple submitters, no conflicts (2 of 4 stars). 2 submissions from 2 submitters: Uncertain significance (2). Last evaluated 2025-02-19.

Conditions:
Cardiovascular phenotype. Identifiers: MedGen CN230736.
Hypertrophic cardiomyopathy 14. Identifiers: MedGen C2750467, MONDO:0013197, OMIM 613251.

Allele frequency attached by ClinVar (database versions not stated): gnomAD exomes below 0.00001.
gnomAD v4.1: 6 of 1,614,142 alleles (0.00037%); highest among the groups gnomAD compares: Non-Finnish European, 0.00051%; no homozygotes.

Submissions (2):

Labcorp Genetics (formerly Invitae), Labcorp
Classification: Uncertain significance for Hypertrophic cardiomyopathy 14. Last evaluated: 2025-02-19. Review status: criteria provided, single submitter. Criteria: Invitae Variant Classification Sherloc (09022015). Collection method: clinical testing. Allele origin: germline.
Comment: This sequence change replaces valine, which is neutral and non-polar, with methionine, which is neutral and non-polar, at codon 1537 of the MYH6 protein (p.Val1537Met). This variant is present in population databases (no rsID available, gnomAD 0.0009%). This variant has not been reported in the literature in individuals affected with MYH6-related conditions. ClinVar contains an entry for this variant (Variation ID: 1741861). Invitae Evidence Modeling of protein sequence and biophysical properties (such as structural, functional, and spatial information, amino acid conservation, physicochemical variation, residue mobility, and thermodynamic stability) indicates that this missense variant is not expected to disrupt MYH6 protein function with a negative predictive value of 80%. In summary, the available evidence is currently insufficient to determine the role of this variant in disease. Therefore, it has been classified as a Variant of Uncertain Significance.

Ambry Genetics
Classification: Uncertain significance for Cardiovascular phenotype. Last evaluated: 2023-11-21. Review status: criteria provided, single submitter. Criteria: Ambry Variant Classification Scheme 2023. Collection method: clinical testing. Allele origin: germline.
Comment: The p.V1537M variant (also known as c.4609G>A), located in coding exon 30 of the MYH6 gene, results from a G to A substitution at nucleotide position 4609. The valine at codon 1537 is replaced by methionine, an amino acid with highly similar properties. This amino acid position is poorly conserved in available vertebrate species. In addition, this alteration is predicted to be tolerated by in silico analysis. Since supporting evidence is limited at this time, the clinical significance of this alteration remains unclear.